The following is an entry in ClinVar:

NM_003900.5(SQSTM1):c.84C>G (p.Ser28Arg)

Gene: SQSTM1 (sequestosome 1; plus strand). Cytogenetic location: 5q35.3.
Variant type: single nucleotide variant.
Coding change: c.84C>G on transcript NM_003900.5 (MANE Select); coding-DNA position 84, C replaced by G.
Protein change: p.Ser28Arg; replaces serine 28 with arginine.
Molecular consequence: missense variant. On other transcripts: intron variant (2).
Genome position (GRCh38, 1-based): chr5:179,821,020, C>G. VCF-style: chr5-179821020-C-G. GRCh37 (hg19) VCF-style: chr5-179248020-C-G.
Other names: c.-47-1938C>G (NM_001142298.2, NM_001142299.2); short protein forms S28R.
Identifiers: ClinVar variation 4788832 (VCV004788832.1).

ClinVar aggregate classification (germline): Uncertain significance (1 of 4 stars; one submission).

Conditions:
Frontotemporal dementia and/or amyotrophic lateral sclerosis 1 (FTDALS1). Also called: C9orf72 Frontotemporal Dementia and/or Amyotrophic Lateral Sclerosis; Frontotemporal dementia with motor neuron disease 1. Identifiers: Orphanet 275872, MedGen C5779877, MONDO:0007105, OMIM 105550.
Paget disease of bone 2, early-onset (PDB2). Also called: Paget disease of bone 2. Identifiers: MedGen C4085251, MONDO:0011183, OMIM 602080.

gnomAD v4.1: 10 of 1,565,938 alleles (0.00064%); highest among the groups gnomAD compares: Non-Finnish European, 0.00077%; no homozygotes.

Submission:

Labcorp Genetics (formerly Invitae), Labcorp
Classification: Uncertain significance for Paget disease of bone 2, early-onset; Frontotemporal dementia and/or amyotrophic lateral sclerosis 1. Last evaluated: 2025-03-16. Review status: criteria provided, single submitter. Criteria: Invitae Variant Classification Sherloc (09022015). Collection method: clinical testing. Allele origin: germline.
Comment: This sequence change replaces serine, which is neutral and polar, with arginine, which is basic and polar, at codon 28 of the SQSTM1 protein (p.Ser28Arg). This variant is not present in population databases (gnomAD no frequency). This variant has not been reported in the literature in individuals affected with SQSTM1-related conditions. An algorithm developed to predict the effect of missense changes on protein structure and function (PolyPhen-2) suggests that this variant is likely to be disruptive. In summary, the available evidence is currently insufficient to determine the role of this variant in disease. Therefore, it has been classified as a Variant of Uncertain Significance.